The following is an entry in ClinVar:

NM_031935.3(HMCN1):c.15496A>G (p.Asn5166Asp)

Gene: HMCN1 (hemicentin 1; plus strand). Cytogenetic location: 1q31.1.
Variant type: single nucleotide variant.
Coding change: c.15496A>G on transcript NM_031935.3 (MANE Select); coding-DNA position 15496, A replaced by G.
Protein change: p.Asn5166Asp; replaces asparagine 5166 with aspartic acid.
Molecular consequence: missense variant.
Genome position (GRCh38, 1-based): chr1:186,166,864, A>G. VCF-style: chr1-186166864-A-G. GRCh37 (hg19) VCF-style: chr1-186135996-A-G.
Other names: short protein forms N5166D.
Identifiers: ClinVar variation 3001740 (VCV003001740.3), dbSNP rs751628144, ClinGen allele CA1295278.

ClinVar aggregate classification (germline): Uncertain significance (1 of 4 stars; one submission).

Allele frequency attached by ClinVar (database versions not stated): ExAC 0.00002; gnomAD 0.00001; TOPMed 0.00002.
gnomAD v4.1: 5 of 1,614,076 alleles (0.00031%); highest among the groups gnomAD compares: East Asian, 0.011%; no homozygotes.

Submission:

Labcorp Genetics (formerly Invitae), Labcorp
Classification: Uncertain significance. Last evaluated: 2025-09-16. Review status: criteria provided, single submitter. Criteria: Invitae Variant Classification Sherloc (09022015). Collection method: clinical testing. Allele origin: germline.
Comment: This sequence change replaces asparagine, which is neutral and polar, with aspartic acid, which is acidic and polar, at codon 5166 of the HMCN1 protein (p.Asn5166Asp). This variant is present in population databases (rs751628144, gnomAD 0.03%). This variant has not been reported in the literature in individuals affected with HMCN1-related conditions. ClinVar contains an entry for this variant (Variation ID: 3001740). An algorithm developed to predict the effect of missense changes on protein structure and function (PolyPhen-2) suggests that this variant is likely to be tolerated. In summary, the available evidence is currently insufficient to determine the role of this variant in disease. Therefore, it has been classified as a Variant of Uncertain Significance.